The following is an entry in ClinVar:

NM_000049.4(ASPA):c.10delinsGG (p.Cys4fs)

Genes: ASPA (aspartoacylase; plus strand), SPATA22 (spermatogenesis associated 22; minus strand). Cytogenetic location: 17p13.2.
Variant type: Indel.
Coding change: c.10delinsGG on transcript NM_000049.4 (MANE Select); coding-DNA position 10, T replaced by GG.
Protein change: p.Cys4fs; shifts the reading frame from cysteine 4.
Molecular consequence: frameshift variant. On other transcripts: intron variant (2).
Genome position (GRCh38, 1-based): chr17:3,476,169, T replaced by GG. VCF-style: chr17-3476169-T-GG. GRCh37 (hg19) VCF-style: chr17-3379463-T-GG.
Other names: c.10delinsGG, p.Cys4fs (NM_001128085.1); c.-73-6771delinsCC (NM_001321336.2, NM_001321337.2); short protein forms C4fs.
Identifiers: ClinVar variation 2854616 (VCV002854616.3), dbSNP rs2543606240, ClinGen allele CA2695224125.

ClinVar aggregate classification (germline): Pathogenic. Review status: criteria provided, multiple submitters, no conflicts (2 of 4 stars). 2 submissions from 2 submitters: Pathogenic (2). Last evaluated 2026-01-20.

Conditions:
Spongy degeneration of central nervous system. Also called: AMINOACYLASE 2 DEFICIENCY; ACY2 DEFICIENCY; ASP DEFICIENCY; ASPA DEFICIENCY; ASPARTOACYLASE DEFICIENCY; CANAVAN-VAN BOGAERT-BERTRAND DISEASE. Identifiers: Orphanet 141, MedGen C0206307, MONDO:0010079, OMIM 271900.

Submissions (2):

Natera, Inc.
Classification: Pathogenic for Canavan Disease. Last evaluated: 2026-01-20. Review status: criteria provided, single submitter. Criteria: Natera Variant Classification Schema (03/2026). Collection method: clinical testing. Allele origin: germline.
Comment: The c.10delTinsGG variant in ASPA is a frameshift variant predicted to shift the reading frame beginning at codon 4 and leads to a stop codon 5 codons downstream. This variant is expected to result in nonsense mediated decay, truncation, or a dysfunctional protein product. This variant is rare in the general population with a frequency below the threshold expected for the associated phenotype(s). This variant has been observed in one or more individuals affected with the associated recessive disease, as either homozygous or compound heterozygous with a second variant (PMID: 12638939). Given the available evidence, this variant is classified as Pathogenic.

Labcorp Genetics (formerly Invitae), Labcorp
Classification: Pathogenic for Spongy degeneration of central nervous system. Last evaluated: 2023-04-10. Review status: criteria provided, single submitter. Criteria: Invitae Variant Classification Sherloc (09022015). Collection method: clinical testing. Allele origin: germline.
Comment: For these reasons, this variant has been classified as Pathogenic. This variant is also known as [10T>G; 11insG]. This premature translational stop signal has been observed in individual(s) with Canavan disease (PMID: 12638939). Information on the frequency of this variant in the gnomAD database is not available, as this variant may be reported differently in the database. This sequence change creates a premature translational stop signal (p.Cys4Valfs*5) in the ASPA gene. It is expected to result in an absent or disrupted protein product. Loss-of-function variants in ASPA are known to be pathogenic (PMID: 12638939).

Literature cited by the submitters: PubMed 12638939 (cited by Natera, Inc. and Labcorp Genetics (formerly Invitae), Labcorp).